The following is an entry in ClinVar:

NM_002299.4(LCT):c.413C>G (p.Ala138Gly)

Gene: LCT (lactase; minus strand). Cytogenetic location: 2q21.3.
Variant type: single nucleotide variant.
Coding change: c.413C>G on transcript NM_002299.4 (MANE Select); coding-DNA position 413, C replaced by G.
Protein change: p.Ala138Gly; replaces alanine 138 with glycine.
Molecular consequence: missense variant.
Genome position (GRCh38, 1-based): chr2:135,836,757, G>C on the plus strand (C>G on the coding strand, the complement: LCT is on the minus strand). VCF-style: chr2-135836757-G-C. GRCh37 (hg19) VCF-style: chr2-136594327-G-C.
Other names: short protein forms A138G.
Identifiers: ClinVar variation 2976659 (VCV002976659.3), dbSNP rs374619829, ClinGen allele CA1888645.
Genomic context (GRCh38, chr2:135,836,757, plus strand): 5'-GCGAATGTGGCATAGTCGGCGAAGAGGTCAGCAAAGGCTTCGGTTCTCCGGAGGGTGCTG[G>C]CAGGGAGGGTCTGGTGGTGCAGGATGACCATGGGCTGAAGCCGTGCAGTCTTGAGGGCCT-3'
Protein context (NP_002290.2, residues 128-148): MVILHHQTLP[Ala138Gly]STLRRTEAFA

ClinVar aggregate classification (germline): Uncertain significance (1 of 4 stars; one submission).

Allele frequency attached by ClinVar (database versions not stated): ExAC 0.00001; gnomAD 0.00001; gnomAD exomes 0.00002; TOPMed 0.00002; ESP Exome Variant Server 0.00008.
gnomAD v4.1: 24 of 1,614,078 alleles (0.0015%); highest among the groups gnomAD compares: Admixed American, 0.0033%; no homozygotes.

Submission:

Labcorp Genetics (formerly Invitae), Labcorp
Classification: Uncertain significance. Last evaluated: 2024-09-06. Review status: criteria provided, single submitter. Criteria: Invitae Variant Classification Sherloc (09022015). Collection method: clinical testing. Allele origin: germline.
Comment: This sequence change replaces alanine, which is neutral and non-polar, with glycine, which is neutral and non-polar, at codon 138 of the LCT protein (p.Ala138Gly). This variant is present in population databases (rs374619829, gnomAD 0.002%). This variant has not been reported in the literature in individuals affected with LCT-related conditions. An algorithm developed to predict the effect of missense changes on protein structure and function (PolyPhen-2) suggests that this variant is likely to be tolerated. In summary, the available evidence is currently insufficient to determine the role of this variant in disease. Therefore, it has been classified as a Variant of Uncertain Significance.